The following is an entry in ClinVar:

ClinVar aggregate classification (germline): Pathogenic/Likely pathogenic. Review status: criteria provided, multiple submitters, no conflicts (2 of 4 stars). 6 submissions from 6 submitters: Pathogenic (2); Likely pathogenic (4). Last evaluated 2024-12-16.

Conditions:
Fanconi anemia (FA). Also called: Fanconi's anemia. Identifiers: Orphanet 84, MedGen C0015625, MeSH D005199, MONDO:0019391.
Fanconi anemia complementation group D2. Also called: FANCD2-Related Fanconi Anemia; FANCONI PANCYTOPENIA, TYPE 4; FANCONI ANEMIA, COMPLEMENTATION GROUP D. Identifiers: Orphanet 84, MedGen C3160738, MONDO:0009214, OMIM 227646.

Allele frequency attached by ClinVar (database versions not stated): gnomAD 0.00001 and 0.00002; gnomAD exomes 0.00002; ExAC 0.00002; TOPMed 0.00004.
gnomAD v4.1: 20 of 1,613,800 alleles (0.0012%); highest among the groups gnomAD compares: Admixed American, 0.0067%; no homozygotes.

Submissions (6):

Dasa
Classification: Likely pathogenic for Fanconi anemia complementation group D2. Last evaluated: 2024-12-16. Review status: criteria provided, single submitter. Criteria: DASA Assertion Criteria. Collection method: clinical testing. Allele origin: germline.
Comment: NM_001018115.3(FANCD2):c.3817C>T (p.Arg1273*) is a nonsense variant in FANCD2 predicted to introduce a premature termination codon and is predicted to result in an absent or altered protein product. Loss of function is an established disease mechanism for FANCD2-associated disorders. This variant has been reported in individuals with FANCD2-related disorders (PMID: 31586946). Also, this variant is rare in population databases. Based on the currently available evidence, this variant is classified as likely pathogenic.

Labcorp Genetics (formerly Invitae), Labcorp
Classification: Pathogenic for Fanconi anemia. Last evaluated: 2024-12-09. Review status: criteria provided, single submitter. Criteria: Invitae Variant Classification Sherloc (09022015). Collection method: clinical testing. Allele origin: germline.
Comment: This sequence change creates a premature translational stop signal (p.Arg1273*) in the FANCD2 gene. It is expected to result in an absent or disrupted protein product. Loss-of-function variants in FANCD2 are known to be pathogenic (PMID: 17436244). This variant is present in population databases (rs745930696, gnomAD 0.009%). This premature translational stop signal has been observed in individual(s) with clinical features of Fanconi anemia (PMID: 31586946). ClinVar contains an entry for this variant (Variation ID: 1324381). Algorithms developed to predict the effect of sequence changes on RNA splicing suggest that this variant may disrupt the consensus splice site. For these reasons, this variant has been classified as Pathogenic.

Baylor Genetics
Classification: Pathogenic for Fanconi anemia complementation group D2. Last evaluated: 2023-12-03. Review status: criteria provided, single submitter. Criteria: ACMG Guidelines, 2015. Collection method: clinical testing. Allele origin: unknown.

CeGaT Center for Human Genetics Tuebingen
Classification: Likely pathogenic. Last evaluated: 2023-10-01. Review status: criteria provided, single submitter. Criteria: CeGaT Center For Human Genetics Tuebingen Variant Classification Criteria Version 2. Collection method: clinical testing. Allele origin: germline. Affected: yes. Observed: 1 variant allele.
Comment: FANCD2: PVS1

Women's Health and Genetics/Laboratory Corporation of America, LabCorp
Classification: Likely pathogenic for Fanconi anemia. Last evaluated: 2023-03-14. Review status: criteria provided, single submitter. Criteria: LabCorp Variant Classification Summary - May 2015. Collection method: clinical testing. Allele origin: germline.
Comment: Variant summary: FANCD2 c.3817C>T (p.Arg1273X) results in a premature termination codon, predicted to cause a truncation of the encoded protein or absence of the protein due to nonsense mediated decay, which are commonly known mechanisms for disease. The variant allele was found at a frequency of 1.6e-05 in 251384 control chromosomes (gnomAD). c.3817C>T has been reported in the literature in individuals affected with Fanconi Anemia (e.g. Bogliolo_2020, George_2021). These data indicate that the variant may be associated with disease. To our knowledge, no experimental evidence demonstrating an impact on protein function has been reported. Two clinical diagnostic laboratories have submitted clinical-significance assessments for this variant to ClinVar after 2014, and classified the variant as pathogenic/likely pathogenic. Based on the evidence outlined above, the variant was classified as likely pathogenic.

Revvity Omics, Revvity
Classification: Likely pathogenic for Fanconi anemia complementation group D2. Last evaluated: 2019-04-29. Review status: criteria provided, single submitter. Criteria: ACMG Guidelines, 2015. Collection method: clinical testing. Allele origin: germline.

Literature cited by the submitters: PubMed 31586946 (cited by 3 submitters); PubMed 34585473 (cited by Dasa and Women's Health and Genetics/Laboratory Corporation of America, LabCorp); PubMed 17436244 (cited by Dasa and Labcorp Genetics (formerly Invitae), Labcorp).

NM_001018115.3(FANCD2):c.3817C>T (p.Arg1273Ter)

Genes: FANCD2 (FA complementation group D2; plus strand), FANCD2OS (FANCD2 opposite strand; minus strand). Cytogenetic location: 3p25.3.
Variant type: single nucleotide variant.
Coding change: c.3817C>T on transcript NM_001018115.3 (MANE Select); coding-DNA position 3817, C replaced by T.
Protein change: p.Arg1273Ter; replaces arginine 1273 with a stop codon.
Molecular consequence: nonsense. On other transcripts: intron variant (1).
Genome position (GRCh38, 1-based): chr3:10,092,220, C>T. VCF-style: chr3-10092220-C-T. GRCh37 (hg19) VCF-style: chr3-10133904-C-T.
Other names: c.3817C>T, p.Arg1273Ter (NM_001319984.2, NM_001374254.1, NM_033084.6); c.3706C>T, p.Arg1236Ter (NM_001374253.1); c.*44-10689G>A (NM_173472.2); short protein forms R1236*, R1273*.
Identifiers: ClinVar variation 1324381 (VCV001324381.72), dbSNP rs745930696, ClinGen allele CA2250526.